The following is an entry in ClinVar:

NM_152564.5(VPS13B):c.10755C>T (p.Asp3585=)

Gene: VPS13B (vacuolar protein sorting 13 homolog B; plus strand). Cytogenetic location: 8q22.2.
Variant type: single nucleotide variant.
Coding change: c.10755C>T on transcript NM_152564.5 (MANE Select); coding-DNA position 10755, C replaced by T.
Protein change: p.Asp3585=; no amino-acid change (aspartic acid 3585 retained).
Molecular consequence: synonymous variant.
Genome position (GRCh38, 1-based): chr8:99,854,144, C>T. VCF-style: chr8-99854144-C-T. GRCh37 (hg19) VCF-style: chr8-100866372-C-T.
Other names: c.10830C>T, p.Asp3610= (NM_017890.5); c.10755C>T (NM_152564.4).
Identifiers: ClinVar variation 361092 (VCV000361092.42), dbSNP rs145950999, ClinGen allele CA4825010.

ClinVar aggregate classification (germline): Conflicting classifications of pathogenicity. Review status: criteria provided, conflicting classifications (1 of 4 stars). 7 submissions from 7 submitters: Uncertain significance (1); Likely benign (4). 2 of the submissions do not count toward it. Last evaluated 2025-03-18.

Conditions:
Cohen syndrome (COH1). Also called: Cutis verticis gyrata, retinitis pigmentosa, and sensorineural deafness; PEPPER SYNDROME. Identifiers: Orphanet 193, MedGen C0265223, MONDO:0008999, OMIM 216550.
VPS13B-related disorder. Also called: VPS13B-related condition.

Allele frequency attached by ClinVar (database versions not stated): TOPMed 0.00003; gnomAD 0.00005; gnomAD exomes 0.00006 and 0.00009; ESP Exome Variant Server 0.00008; ExAC 0.00009.
gnomAD v4.1: 145 of 1,613,788 alleles (0.009%); highest among the groups gnomAD compares: Non-Finnish European, 0.011%; no homozygotes.

Submissions (7):

Labcorp Genetics (formerly Invitae), Labcorp
Classification: Likely benign for Cohen syndrome. Last evaluated: 2025-03-18. Review status: criteria provided, single submitter. Criteria: Invitae Variant Classification Sherloc (09022015). Collection method: clinical testing. Allele origin: germline.

CeGaT Center for Human Genetics Tuebingen
Classification: Likely benign. Last evaluated: 2023-01-01. Review status: criteria provided, single submitter. Criteria: CeGaT Center For Human Genetics Tuebingen Variant Classification Criteria Version 2. Collection method: clinical testing. Allele origin: germline. Affected: yes. Observed: 1 variant allele.
Comment: VPS13B: BP4

Blueprint Genetics
Classification: Likely benign. Last evaluated: 2022-08-25. Review status: criteria provided, single submitter. Criteria: ACMG Guidelines, 2015. Collection method: clinical testing. Allele origin: germline.

Illumina Laboratory Services, Illumina
Classification: Uncertain significance for Cohen syndrome. Last evaluated: 2018-01-12. Review status: criteria provided, single submitter. Criteria: ICSL Variant Classification Criteria 13 December 2019. Collection method: clinical testing. Allele origin: germline.

GeneDx
Classification: Likely benign. Last evaluated: 2017-09-26. Review status: criteria provided, single submitter. Criteria: GeneDx Variant Classification (06012015). Collection method: clinical testing. Allele origin: germline. Affected: yes.
Comment: This variant is considered likely benign or benign based on one or more of the following criteria: it is a conservative change, it occurs at a poorly conserved position in the protein, it is predicted to be benign by multiple in silico algorithms, and/or has population frequency not consistent with disease.

PreventionGenetics, part of Exact Sciences
Classification: Likely benign for VPS13B-related condition. Last evaluated: 2021-06-29. Review status: no assertion criteria provided. Collection method: clinical testing. Allele origin: germline. Not counted in ClinVar's aggregate classification.
Comment: This variant is classified as likely benign based on ACMG/AMP sequence variant interpretation guidelines (Richards et al. 2015 PMID: 25741868, with internal and published modifications).

Natera, Inc.
Classification: Likely benign for Cohen syndrome. Last evaluated: 2020-03-13. Review status: no assertion criteria provided. Collection method: clinical testing. Allele origin: germline. Not counted in ClinVar's aggregate classification.